The following is an entry in ClinVar:

NM_133433.4(NIPBL):c.6194T>C (p.Phe2065Ser)

Gene: NIPBL (NIPBL cohesin loading factor; plus strand). Cytogenetic location: 5p13.2.
Variant type: single nucleotide variant.
Coding change: c.6194T>C on transcript NM_133433.4 (MANE Select); coding-DNA position 6194, T replaced by C.
Protein change: p.Phe2065Ser; replaces phenylalanine 2065 with serine.
Molecular consequence: missense variant.
Genome position (GRCh38, 1-based): chr5:37,044,432, T>C. VCF-style: chr5-37044432-T-C. GRCh37 (hg19) VCF-style: chr5-37044534-T-C.
Other names: c.6194T>C, p.Phe2065Ser (NM_015384.5); short protein forms F2065S.
Identifiers: ClinVar variation 1305182 (VCV001305182.2), dbSNP rs2149730877, ClinGen allele CA359502273.

ClinVar aggregate classification (germline): Uncertain significance (1 of 4 stars; one submission).

Submission:

GeneDx
Classification: Uncertain significance. Last evaluated: 2019-04-11. Review status: criteria provided, single submitter. Criteria: GeneDx Variant Classification Process June 2021. Collection method: clinical testing. Allele origin: germline. Affected: yes.
Comment: Not observed in large population cohorts (Lek et al., 2016); In silico analysis, which includes protein predictors and evolutionary conservation, supports a deleterious effect; Has not been previously published as pathogenic or benign to our knowledge